The following is an entry in ClinVar:

NM_030665.4(RAI1):c.1964A>T (p.Lys655Met)

Gene: RAI1 (retinoic acid induced 1; plus strand). Cytogenetic location: 17p11.2.
Variant type: single nucleotide variant.
Coding change: c.1964A>T on transcript NM_030665.4 (MANE Select); coding-DNA position 1964, A replaced by T.
Protein change: p.Lys655Met; replaces lysine 655 with methionine.
Molecular consequence: missense variant.
Genome position (GRCh38, 1-based): chr17:17,794,912, A>T. VCF-style: chr17-17794912-A-T. GRCh37 (hg19) VCF-style: chr17-17698226-A-T.
Other names: c.1964A>T (NM_030665.3); short protein forms K655M.
Identifiers: ClinVar variation 3708776 (VCV003708776.3).

ClinVar aggregate classification (germline): Uncertain significance. Review status: criteria provided, multiple submitters, no conflicts (2 of 4 stars). 2 submissions from 2 submitters: Uncertain significance (2). Last evaluated 2025-09-22.

Conditions:
Inborn genetic diseases. Identifiers: MedGen C0950123, MeSH D030342.

gnomAD v4.1: 18 of 1,613,498 alleles (0.0011%); highest among the groups gnomAD compares: Non-Finnish European, 0.0014%; no homozygotes.

Submissions (2):

Ambry Genetics
Classification: Uncertain significance for Inborn genetic diseases. Last evaluated: 2025-09-22. Review status: criteria provided, single submitter. Criteria: Ambry Variant Classification Scheme 2023. Collection method: clinical testing. Allele origin: germline.

Labcorp Genetics (formerly Invitae), Labcorp
Classification: Uncertain significance. Last evaluated: 2024-07-01. Review status: criteria provided, single submitter. Criteria: Invitae Variant Classification Sherloc (09022015). Collection method: clinical testing. Allele origin: germline.
Comment: This sequence change replaces lysine, which is basic and polar, with methionine, which is neutral and non-polar, at codon 655 of the RAI1 protein (p.Lys655Met). This variant is present in population databases (rs372471273, gnomAD 0.002%). This variant has not been reported in the literature in individuals affected with RAI1-related conditions. Advanced modeling of protein sequence and biophysical properties (such as structural, functional, and spatial information, amino acid conservation, physicochemical variation, residue mobility, and thermodynamic stability) performed at Invitae indicates that this missense variant is not expected to disrupt RAI1 protein function with a negative predictive value of 80%. In summary, the available evidence is currently insufficient to determine the role of this variant in disease. Therefore, it has been classified as a Variant of Uncertain Significance.